The following is an entry in ClinVar:

ClinVar aggregate classification (germline): Uncertain significance (1 of 4 stars; one submission).

Submission:

Ambry Genetics
Classification: Uncertain significance. Last evaluated: 2022-07-12. Review status: criteria provided, single submitter. Criteria: Ambry Variant Classification Scheme 2023. Collection method: clinical testing. Allele origin: germline.
Comment: The p.S914G variant (also known as c.2740A>G), located in coding exon 13 of the NPAT gene, results from an A to G substitution at nucleotide position 2740. The serine at codon 914 is replaced by glycine, an amino acid with similar properties. This amino acid position is conserved. In addition, this alteration is predicted to be tolerated by in silico analysis. Since supporting evidence is limited at this time, the clinical significance of this alteration remains unclear.

NM_002519.3(NPAT):c.2740A>G (p.Ser914Gly)

Gene: NPAT (nuclear protein, coactivator of histone transcription; minus strand). Cytogenetic location: 11q22.3.
Variant type: single nucleotide variant.
Coding change: c.2740A>G on transcript NM_002519.3 (MANE Select); coding-DNA position 2740, A replaced by G.
Protein change: p.Ser914Gly; replaces serine 914 with glycine.
Molecular consequence: missense variant.
Genome position (GRCh38, 1-based): chr11:108,172,244, T>C on the plus strand (A>G on the coding strand, the complement: NPAT is on the minus strand). VCF-style: chr11-108172244-T-C. GRCh37 (hg19) VCF-style: chr11-108042971-T-C.
Other names: c.2740A>G, p.Ser914Gly (NM_001321307.1); short protein forms S914G.
Identifiers: ClinVar variation 1795434 (VCV001795434.2), dbSNP rs983297631, ClinGen allele CA382512339.
Genomic context (GRCh38, chr11:108,172,244, plus strand): 5'-TGTTATTAAAGTTACCTTGTGAAAAGTTTGGTGACACAGCTTGGTTGACAGCAAATACAC[T>C]GTTTGACCTTGGTGGTGTCTGTAACTGAGGTGGTAGAGGTTGAGCAGTCATAGGTGCAGA-3'
Protein context (NP_002510.2, residues 904-924): PQLQTPPRSN[Ser914Gly]VFAVNQAVSP